The following is an entry in ClinVar:

ClinVar aggregate classification (germline): Uncertain significance (1 of 4 stars; one submission).

Conditions:
Baller-Gerold syndrome (BGS). Also called: CRANIOSYNOSTOSIS WITH RADIAL DEFECTS. Identifiers: Orphanet 1225, MedGen C0265308, MONDO:0009039, OMIM 218600.

Submission:

Labcorp Genetics (formerly Invitae), Labcorp
Classification: Uncertain significance for Baller-Gerold syndrome. Last evaluated: 2023-08-24. Review status: criteria provided, single submitter. Criteria: Invitae Variant Classification Sherloc (09022015). Collection method: clinical testing. Allele origin: germline.
Comment: In summary, the available evidence is currently insufficient to determine the role of this variant in disease. Therefore, it has been classified as a Variant of Uncertain Significance. Variants that disrupt the consensus splice site are a relatively common cause of aberrant splicing (PMID: 17576681, 9536098). Algorithms developed to predict the effect of sequence changes on RNA splicing suggest that this variant is not likely to affect RNA splicing. This variant has not been reported in the literature in individuals affected with RECQL4-related conditions. This variant is not present in population databases (gnomAD no frequency). This sequence change falls in intron 4 of the RECQL4 gene. It does not directly change the encoded amino acid sequence of the RECQL4 protein. It affects a nucleotide within the consensus splice site.

Literature cited by the submitters: PubMed 17576681; PubMed 9536098.

NM_004260.4(RECQL4):c.354+6G>C

Gene: RECQL4 (RecQ like helicase 4; minus strand). Cytogenetic location: 8q24.3.
Variant type: single nucleotide variant.
Coding change: c.354+6G>C on transcript NM_004260.4 (MANE Select); 6 bases into the intron after coding-DNA position 354, G replaced by C.
Molecular consequence: intron variant.
Genome position (GRCh38, 1-based): chr8:144,517,044, C>G on the plus strand (G>C on the coding strand, the complement: RECQL4 is on the minus strand). VCF-style: chr8-144517044-C-G. GRCh37 (hg19) VCF-style: chr8-145742428-C-G.
Other names: c.225+6G>C (NM_001413025.1); c.354+6G>C (NM_001413029.1, NM_001413017.1, NM_001413020.1 and 5 more transcripts); c.-677+6G>C (NM_001413032.1); c.-615+6G>C (NM_001413035.1, NM_001413024.1); c.-780+6G>C (NM_001413027.1, NM_001413031.1, NM_001413030.1 and 1 more transcripts); c.-718+6G>C (NM_001413040.1, NM_001413042.1, NM_001413037.1 and 3 more transcripts); c.-367+6G>C (NM_001413021.1); c.-443+6G>C (NM_001413028.1); and 2 more.
Identifiers: ClinVar variation 3004953 (VCV003004953.3), dbSNP rs756492273, ClinGen allele CA2740090955.